The following is an entry in ClinVar:

NM_001365276.2(TNXB):c.10159G>A (p.Val3387Ile)

Gene: TNXB (tenascin XB; minus strand). Cytogenetic location: 6p21.33.
Variant type: single nucleotide variant.
Coding change: c.10159G>A on transcript NM_001365276.2 (MANE Select); coding-DNA position 10159, G replaced by A.
Protein change: p.Val3387Ile; replaces valine 3387 with isoleucine.
Molecular consequence: missense variant.
Genome position (GRCh38, 1-based): chr6:32,047,899, C>T on the plus strand (G>A on the coding strand, the complement: TNXB is on the minus strand). VCF-style: chr6-32047899-C-T. GRCh37 (hg19) VCF-style: chr6-32015676-C-T.
Other names: c.10900G>A, p.Val3634Ile (NM_001428335.1); c.10153G>A, p.Val3385Ile (NM_019105.8); short protein forms V3385I, V3387I, V3634I.
Identifiers: ClinVar variation 4534699 (VCV004534699.6).

ClinVar aggregate classification (germline): Uncertain significance (1 of 4 stars; one submission).

Submission:

CeGaT Center for Human Genetics Tuebingen
Classification: Uncertain significance. Last evaluated: 2025-11-01. Review status: criteria provided, single submitter. Criteria: CeGaT Center For Human Genetics Tuebingen Variant Classification Criteria Version 2. Collection method: clinical testing. Allele origin: germline. Affected: yes. Observed: 1 variant allele.
Comment: TNXB: PM2, BP4